The following is an entry in ClinVar:

ClinVar aggregate classification (germline): Conflicting classifications of pathogenicity. Review status: criteria provided, conflicting classifications (1 of 4 stars). 2 submissions from 2 submitters: Uncertain significance (1); Likely benign (1). Last evaluated 2024-01-17.

gnomAD v4.1: 4 of 1,609,366 alleles (0.00025%); highest among the groups gnomAD compares: Non-Finnish European, 0.00034%; no homozygotes.

Submissions (2):

GeneDx
Classification: Uncertain significance. Last evaluated: 2024-01-17. Review status: criteria provided, single submitter. Criteria: GeneDx Variant Classification Process June 2021. Collection method: clinical testing. Allele origin: germline. Affected: yes.
Comment: Not observed at significant frequency in large population cohorts (gnomAD); Has not been previously published as pathogenic or benign to our knowledge; In silico analysis suggests this variant may impact gene splicing. In the absence of RNA/functional studies, the actual effect of this sequence change is unknown.

Blueprint Genetics
Classification: Likely benign. Last evaluated: 2023-03-03. Review status: criteria provided, single submitter. Criteria: ACMG Guidelines, 2015. Collection method: clinical testing. Allele origin: germline.

NM_022489.4(INF2):c.1024C>T (p.Leu342=)

Gene: INF2 (inverted formin 2; plus strand). Cytogenetic location: 14q32.33.
Variant type: single nucleotide variant.
Coding change: c.1024C>T on transcript NM_022489.4 (MANE Select); coding-DNA position 1024, C replaced by T.
Protein change: p.Leu342=; no amino-acid change (leucine 342 retained).
Molecular consequence: synonymous variant. On other transcripts: non-coding transcript variant (1).
Genome position (GRCh38, 1-based): chr14:104,707,291, C>T. VCF-style: chr14-104707291-C-T. GRCh37 (hg19) VCF-style: chr14-105173628-C-T.
Other names: c.1024C>T, p.Leu342= (NM_001031714.4, NM_001426862.1, NM_001426863.1 and 2 more transcripts).
Identifiers: ClinVar variation 3367973 (VCV003367973.2).